The following is an entry in ClinVar:

ClinVar aggregate classification (germline): Uncertain significance (1 of 4 stars; one submission).

Allele frequency attached by ClinVar (database versions not stated): gnomAD 0.00001; gnomAD exomes below 0.00001.
gnomAD v4.1: 5 of 1,398,486 alleles (0.00036%); highest among the groups gnomAD compares: Middle Eastern, 0.035%; no homozygotes.

Submission:

Labcorp Genetics (formerly Invitae), Labcorp
Classification: Uncertain significance. Last evaluated: 2026-01-27. Review status: criteria provided, single submitter. Criteria: Invitae Variant Classification Sherloc (09022015). Collection method: clinical testing. Allele origin: germline.
Comment: This sequence change falls in intron 9 of the CASQ1 gene. It does not directly change the encoded amino acid sequence of the CASQ1 protein. This variant is not present in population databases (gnomAD no frequency). This variant has not been reported in the literature in individuals affected with CASQ1-related conditions. ClinVar contains an entry for this variant (Variation ID: 3022491). Algorithms developed to predict the effect of sequence changes on RNA splicing suggest that this variant may create or strengthen a splice site. In summary, the available evidence is currently insufficient to determine the role of this variant in disease. Therefore, it has been classified as a Variant of Uncertain Significance.

NM_001231.5(CASQ1):c.984+20C>T

Gene: CASQ1 (calsequestrin 1; plus strand). Cytogenetic location: 1q23.2.
Variant type: single nucleotide variant.
Coding change: c.984+20C>T on transcript NM_001231.5 (MANE Select); 20 bases into the intron after coding-DNA position 984, C replaced by T.
Molecular consequence: intron variant.
Genome position (GRCh38, 1-based): chr1:160,199,073, C>T. VCF-style: chr1-160199073-C-T. GRCh37 (hg19) VCF-style: chr1-160168863-C-T.
Identifiers: ClinVar variation 3022491 (VCV003022491.3), dbSNP rs1004620125, ClinGen allele CA31499926.
Genomic context (GRCh38, chr1:160,199,073, plus strand): 5'-ATCTTAGCATCATCTGGATTGACCCTGATGACTTCCCCCTGGTAAGAGGCACAGCTCAGG[C>T]ACTGCTATCTTAAGGTGGGGCCTTGGACTGTGACATCTTCTTAGTGAGGGCTTTGTTTCA-3'